The following is an entry in ClinVar:

ClinVar aggregate classification (germline): Uncertain significance (1 of 4 stars; one submission).

Submission:

Labcorp Genetics (formerly Invitae), Labcorp
Classification: Uncertain significance. Last evaluated: 2024-07-23. Review status: criteria provided, single submitter. Criteria: Invitae Variant Classification Sherloc (09022015). Collection method: clinical testing. Allele origin: germline.
Comment: This sequence change falls in intron 8 of the DUOX2 gene. It does not directly change the encoded amino acid sequence of the DUOX2 protein. It affects a nucleotide within the consensus splice site. This variant is not present in population databases (gnomAD no frequency). This variant has not been reported in the literature in individuals affected with DUOX2-related conditions. Variants that disrupt the consensus splice site are a relatively common cause of aberrant splicing (PMID: 17576681, 9536098). Algorithms developed to predict the effect of sequence changes on RNA splicing suggest that this variant is not likely to affect RNA splicing. In summary, the available evidence is currently insufficient to determine the role of this variant in disease. Therefore, it has been classified as a Variant of Uncertain Significance.

Literature cited by the submitters: PubMed 17576681; PubMed 9536098.

NM_001363711.2(DUOX2):c.943+6G>A

Gene: DUOX2 (dual oxidase 2; minus strand). Cytogenetic location: 15q21.1.
Variant type: single nucleotide variant.
Coding change: c.943+6G>A on transcript NM_001363711.2 (MANE Select); 6 bases into the intron after coding-DNA position 943, G replaced by A.
Molecular consequence: intron variant.
Genome position (GRCh38, 1-based): chr15:45,110,644, C>T on the plus strand (G>A on the coding strand, the complement: DUOX2 is on the minus strand). VCF-style: chr15-45110644-C-T. GRCh37 (hg19) VCF-style: chr15-45402842-C-T.
Other names: c.943+6G>A (NM_014080.5).
Identifiers: ClinVar variation 3665458 (VCV003665458.2).